The following is an entry in ClinVar:

ClinVar aggregate classification (germline): Conflicting classifications of pathogenicity. Review status: criteria provided, conflicting classifications (1 of 4 stars). 2 submissions from 2 submitters: Uncertain significance (1); Likely benign (1). Last evaluated 2026-02-02.

Conditions:
Hereditary cancer-predisposing syndrome. Also called: Tumor predisposition; Hereditary Cancer Syndrome; Neoplastic Syndromes, Hereditary; Hereditary neoplastic syndrome. Identifiers: Orphanet 140162, MedGen C0027672, MeSH D009386, MONDO:0015356.

Submissions (2):

Ambry Genetics
Classification: Uncertain significance for Hereditary cancer-predisposing syndrome. Last evaluated: 2026-02-02. Review status: criteria provided, single submitter. Criteria: Ambry Variant Classification Scheme 2023. Collection method: clinical testing. Allele origin: germline.
Comment: The c.5178-5T>C intronic variant results from a T to C substitution 5 nucleotides upstream from coding exon 34 in the ATM gene. This nucleotide position is well conserved in available vertebrate species. In silico splice site analysis predicts that this alteration may weaken the native splice acceptor site. Based on the available evidence, the clinical significance of this variant remains unclear.

GeneDx
Classification: Likely benign. Last evaluated: 2017-02-09. Review status: criteria provided, single submitter. Criteria: GeneDx Variant Classification (06012015). Collection method: clinical testing. Allele origin: germline. Affected: yes.
Comment: This variant is considered likely benign or benign based on one or more of the following criteria: it is a conservative change, it occurs at a poorly conserved position in the protein, it is predicted to be benign by multiple in silico algorithms, and/or has population frequency not consistent with disease.

NM_000051.4(ATM):c.5178-5T>C

Gene: ATM (ATM serine/threonine kinase; plus strand). Cytogenetic location: 11q22.3.
Variant type: single nucleotide variant.
Coding change: c.5178-5T>C on transcript NM_000051.4 (MANE Select); 5 bases into the intron before coding-DNA position 5178, T replaced by C.
Molecular consequence: intron variant.
Genome position (GRCh38, 1-based): chr11:108,301,643, T>C. VCF-style: chr11-108301643-T-C. GRCh37 (hg19) VCF-style: chr11-108172370-T-C.
Other names: c.5178-5T>C (NM_001351834.2).
Identifiers: ClinVar variation 507441 (VCV000507441.4), dbSNP rs1555105570, ClinGen allele CA658797741.